The following is an entry in ClinVar:

ClinVar aggregate classification (germline): Likely benign. Review status: criteria provided, multiple submitters, no conflicts (2 of 4 stars). 4 submissions from 4 submitters: Likely benign (3). 1 of the submissions does not count toward it. Last evaluated 2025-03-01.

Conditions:
FAT1-related disorder. Also called: FAT1-related condition.

Allele frequency attached by ClinVar (database versions not stated): gnomAD exomes 0.00008 and 0.00037; 1000 Genomes Project 30x 0.00016; gnomAD 0.00016 and 0.00017; TOPMed 0.00026; ExAC 0.00031.
gnomAD v4.1: 155 of 1,614,030 alleles (0.0096%); highest among the groups gnomAD compares: East Asian, 0.31%; 1 homozygote.

Submissions (4):

CeGaT Center for Human Genetics Tuebingen
Classification: Likely benign. Last evaluated: 2025-03-01. Review status: criteria provided, single submitter. Criteria: CeGaT Center For Human Genetics Tuebingen Variant Classification Criteria Version 2. Collection method: clinical testing. Allele origin: germline. Affected: yes. Observed: 1 variant allele.
Comment: FAT1: BS2

Labcorp Genetics (formerly Invitae), Labcorp
Classification: Likely benign. Last evaluated: 2024-06-03. Review status: criteria provided, single submitter. Criteria: Invitae Variant Classification Sherloc (09022015). Collection method: clinical testing. Allele origin: germline.

Breakthrough Genomics
Classification: Likely benign. Review status: criteria provided, single submitter. Criteria: ACMG Guidelines, 2015. Collection method: not provided. Allele origin: germline. Inheritance: Unknown mechanism. Affected: yes.

PreventionGenetics, part of Exact Sciences
Classification: Likely benign for FAT1-related condition. Last evaluated: 2020-10-21. Review status: no assertion criteria provided. Collection method: clinical testing. Allele origin: germline. Not counted in ClinVar's aggregate classification.
Comment: This variant is classified as likely benign based on ACMG/AMP sequence variant interpretation guidelines (Richards et al. 2015 PMID: 25741868, with internal and published modifications).

NM_005245.4(FAT1):c.11818A>G (p.Thr3940Ala)

Gene: FAT1 (FAT atypical cadherin 1; minus strand). Cytogenetic location: 4q35.2.
Variant type: single nucleotide variant.
Coding change: c.11818A>G on transcript NM_005245.4 (MANE Select); coding-DNA position 11818, A replaced by G.
Protein change: p.Thr3940Ala; replaces threonine 3940 with alanine.
Molecular consequence: missense variant.
Genome position (GRCh38, 1-based): chr4:186,600,183, T>C on the plus strand (A>G on the coding strand, the complement: FAT1 is on the minus strand). VCF-style: chr4-186600183-T-C. GRCh37 (hg19) VCF-style: chr4-187521337-T-C.
Other names: short protein forms T3940A.
Identifiers: ClinVar variation 754062 (VCV000754062.18), dbSNP rs781009436, ClinGen allele CA3165012.